The following is an entry in ClinVar:

ClinVar aggregate classification (germline): Uncertain significance. Review status: criteria provided, multiple submitters, no conflicts (2 of 4 stars). 2 submissions from 2 submitters: Uncertain significance (2). Last evaluated 2025-06-12.

Allele frequency attached by ClinVar (database versions not stated): gnomAD exomes below 0.00001; ESP Exome Variant Server 0.00015; gnomAD 0.00003; TOPMed 0.00009.
gnomAD v4.1: 11 of 1,614,114 alleles (0.00068%); highest among the groups gnomAD compares: African/African-American, 0.015%; no homozygotes.

Submissions (2):

Labcorp Genetics (formerly Invitae), Labcorp
Classification: Uncertain significance. Last evaluated: 2025-06-12. Review status: criteria provided, single submitter. Criteria: Invitae Variant Classification Sherloc (09022015). Collection method: clinical testing. Allele origin: germline.
Comment: This sequence change replaces glycine, which is neutral and non-polar, with arginine, which is basic and polar, at codon 29 of the SLC41A1 protein (p.Gly29Arg). This variant is present in population databases (rs145968676, gnomAD 0.01%). This variant has not been reported in the literature in individuals affected with SLC41A1-related conditions. ClinVar contains an entry for this variant (Variation ID: 2728290). An algorithm developed to predict the effect of missense changes on protein structure and function (PolyPhen-2) suggests that this variant is likely to be tolerated. In summary, the available evidence is currently insufficient to determine the role of this variant in disease. Therefore, it has been classified as a Variant of Uncertain Significance.

Ambry Genetics
Classification: Uncertain significance. Last evaluated: 2025-03-03. Review status: criteria provided, single submitter. Criteria: Ambry Variant Classification Scheme 2023. Collection method: clinical testing. Allele origin: germline.

NM_173854.6(SLC41A1):c.85G>A (p.Gly29Arg)

Gene: SLC41A1 (solute carrier family 41 member 1; minus strand). Cytogenetic location: 1q32.1.
Variant type: single nucleotide variant.
Coding change: c.85G>A on transcript NM_173854.6 (MANE Select); coding-DNA position 85, G replaced by A.
Protein change: p.Gly29Arg; replaces glycine 29 with arginine.
Molecular consequence: missense variant.
Genome position (GRCh38, 1-based): chr1:205,810,357, C>T on the plus strand (G>A on the coding strand, the complement: SLC41A1 is on the minus strand). VCF-style: chr1-205810357-C-T. GRCh37 (hg19) VCF-style: chr1-205779485-C-T.
Other names: c.85G>A (NM_173854.4); short protein forms G29R.
Identifiers: ClinVar variation 2728290 (VCV002728290.4), dbSNP rs145968676, ClinGen allele CA36482034.